The following is an entry in ClinVar:

ClinVar aggregate classification (germline): Uncertain significance. Review status: criteria provided, multiple submitters, no conflicts (2 of 4 stars). 2 submissions from 2 submitters: Uncertain significance (2). Last evaluated 2024-04-08.

Conditions:
Inborn genetic diseases. Identifiers: MedGen C0950123, MeSH D030342.

gnomAD v4.1: 1 of 1,611,990 alleles (0.000062%); no homozygotes.

Submissions (2):

Ambry Genetics
Classification: Uncertain significance for Inborn genetic diseases. Last evaluated: 2024-04-08. Review status: criteria provided, single submitter. Criteria: Ambry Variant Classification Scheme 2023. Collection method: clinical testing. Allele origin: germline.

Labcorp Genetics (formerly Invitae), Labcorp
Classification: Uncertain significance. Last evaluated: 2024-04-03. Review status: criteria provided, single submitter. Criteria: Invitae Variant Classification Sherloc (09022015). Collection method: clinical testing. Allele origin: germline.
Comment: This sequence change replaces glutamine, which is neutral and polar, with arginine, which is basic and polar, at codon 324 of the JAK1 protein (p.Gln324Arg). This variant is not present in population databases (gnomAD no frequency). This variant has not been reported in the literature in individuals affected with JAK1-related conditions. Advanced modeling of protein sequence and biophysical properties (such as structural, functional, and spatial information, amino acid conservation, physicochemical variation, residue mobility, and thermodynamic stability) performed at Invitae indicates that this missense variant is not expected to disrupt JAK1 protein function with a negative predictive value of 80%. In summary, the available evidence is currently insufficient to determine the role of this variant in disease. Therefore, it has been classified as a Variant of Uncertain Significance.

NM_002227.4(JAK1):c.971A>G (p.Gln324Arg)

Gene: JAK1 (Janus kinase 1; minus strand). Cytogenetic location: 1p31.3.
Variant type: single nucleotide variant.
Coding change: c.971A>G on transcript NM_002227.4 (MANE Select); coding-DNA position 971, A replaced by G.
Protein change: p.Gln324Arg; replaces glutamine 324 with arginine.
Molecular consequence: missense variant.
Genome position (GRCh38, 1-based): chr1:64,866,885, T>C on the plus strand (A>G on the coding strand, the complement: JAK1 is on the minus strand). VCF-style: chr1-64866885-T-C. GRCh37 (hg19) VCF-style: chr1-65332568-T-C.
Other names: c.971A>G, p.Gln324Arg (NM_001320923.2, NM_001321852.2, NM_001321853.2 and 4 more transcripts); short protein forms Q324R.
Identifiers: ClinVar variation 3287134 (VCV003287134.3).